The following is an entry in ClinVar:

NM_001267550.2(TTN):c.69759del (p.Lys23254fs)

Genes: TTN-AS1 (TTN antisense RNA 1; plus strand), TTN (titin; minus strand), LOC126806422 (BRD4-independent group 4 enhancer GRCh37_chr2:179440205-179441404; plus strand). Cytogenetic location: 2q31.2.
Variant type: Deletion.
Coding change: c.69759del on transcript NM_001267550.2 (MANE Select); coding-DNA position 69759, one base deleted (C; older notation c.69759delC).
Protein change: p.Lys23254fs; shifts the reading frame from lysine 23254.
Molecular consequence: frameshift variant.
Genome position (GRCh38, 1-based): chr2:178,576,373, G deleted on the plus strand (C on the coding strand, the reverse complement: TTN is on the minus strand); the first of 2 consecutive G bases (chr2:178,576,373-178,576,374); deleting either gives the same sequence. VCF-style (leftmost placement, unchanged base first): chr2-178576372-TG-T. GRCh37 (hg19) VCF-style: chr2-179441099-TG-T.
Other names: c.64836del, p.Lys21613fs (NM_001256850.1); c.42564del, p.Lys14189fs (NM_003319.4); c.62055del, p.Lys20686fs (NM_133378.4); c.42939del, p.Lys14314fs (NM_133432.3); c.43140del, p.Lys14381fs (NM_133437.4); short protein forms K20686fs, K14314fs, K14189fs, K21613fs, K14381fs, K23254fs.
Identifiers: ClinVar variation 2112524 (VCV002112524.4), dbSNP rs2468724094, ClinGen allele CA2580064939.

ClinVar aggregate classification (germline): Likely pathogenic (1 of 4 stars; one submission).

Conditions:
Dilated cardiomyopathy 1G (CMD1G). Identifiers: Orphanet 154, MedGen C1858763, MONDO:0011400, OMIM 604145.
Autosomal recessive limb-girdle muscular dystrophy type 2J (LGMDR10). Also called: Limb-girdle muscular dystrophy, type 2J; MUSCULAR DYSTROPHY, LIMB-GIRDLE, AUTOSOMAL RECESSIVE 10. Identifiers: Orphanet 140922, MedGen C1837342, MONDO:0012127, OMIM 608807.

Submission:

Labcorp Genetics (formerly Invitae), Labcorp
Classification: Likely pathogenic for Dilated cardiomyopathy 1G; Autosomal recessive limb-girdle muscular dystrophy type 2J. Last evaluated: 2022-05-21. Review status: criteria provided, single submitter. Criteria: Invitae Variant Classification Sherloc (09022015). Collection method: clinical testing. Allele origin: germline.
Comment: In summary, the currently available evidence indicates that the variant is pathogenic, but additional data are needed to prove that conclusively. Therefore, this variant has been classified as Likely Pathogenic. This variant is located in the A band of TTN (PMID: 25589632). Truncating variants in this region are significantly overrepresented in patients affected with dilated cardiomyopathy (PMID: 25589632). Truncating variants in this region have also been reported in individuals affected with autosomal recessive centronuclear myopathy (PMID: 23975875). This variant has not been reported in the literature in individuals affected with TTN-related conditions. This variant is not present in population databases (gnomAD no frequency). This sequence change creates a premature translational stop signal (p.Lys23254Argfs*29) in the TTN gene. While this is not anticipated to result in nonsense mediated decay, it is expected to create a truncated TTN protein.

Literature cited by the submitters: PubMed 25589632; PubMed 23975875.